The following is an entry in ClinVar:

NM_003676.4(DEGS1):c.82+1G>C

Gene: DEGS1 (delta 4-desaturase, sphingolipid 1; plus strand). Cytogenetic location: 1q42.11.
Variant type: single nucleotide variant.
Coding change: c.82+1G>C on transcript NM_003676.4 (MANE Select); the canonical splice donor site of the intron after coding-DNA position 82, G replaced by C.
Molecular consequence: splice donor variant.
Genome position (GRCh38, 1-based): chr1:224,183,419, G>C. VCF-style: chr1-224183419-G-C. GRCh37 (hg19) VCF-style: chr1-224371121-G-C.
Other names: c.82+1G>C (NM_001321541.2).
Identifiers: ClinVar variation 1514221 (VCV001514221.6), dbSNP rs2102650567, ClinGen allele CA344707616.

ClinVar aggregate classification (germline): Likely pathogenic (1 of 4 stars; one submission).

gnomAD v4.1: 1 of 1,410,068 alleles (0.000071%); no homozygotes.

Submission:

Labcorp Genetics (formerly Invitae), Labcorp
Classification: Likely pathogenic. Last evaluated: 2022-08-09. Review status: criteria provided, single submitter. Criteria: Invitae Variant Classification Sherloc (09022015). Collection method: clinical testing. Allele origin: germline.
Comment: This sequence change affects a donor splice site in intron 1 of the DEGS1 gene. It is expected to disrupt RNA splicing. Variants that disrupt the donor or acceptor splice site typically lead to a loss of protein function (PMID: 16199547), and loss-of-function variants in DEGS1 are known to be pathogenic (PMID: 30620337). This variant is not present in population databases (gnomAD no frequency). This variant has not been reported in the literature in individuals affected with DEGS1-related conditions. ClinVar contains an entry for this variant (Variation ID: 1514221). Algorithms developed to predict the effect of sequence changes on RNA splicing suggest that this variant may disrupt the consensus splice site. In summary, the currently available evidence indicates that the variant is pathogenic, but additional data are needed to prove that conclusively. Therefore, this variant has been classified as Likely Pathogenic.

Literature cited by the submitters: PubMed 16199547; PubMed 30620337.